The following is an entry in ClinVar:

ClinVar aggregate classification (germline): Conflicting classifications of pathogenicity. Review status: criteria provided, conflicting classifications (1 of 4 stars). 3 submissions from 3 submitters: Uncertain significance (1); Likely benign (1). 1 of the submissions does not count toward it. Last evaluated 2024-07-25.

Conditions:
CLRN1-related disorder. Also called: CLRN1-related condition.

Allele frequency attached by ClinVar (database versions not stated): gnomAD exomes 0.00005 and 0.00013; ExAC 0.00018; gnomAD 0.00057 and 0.00061; 1000 Genomes Project 0.00060; 1000 Genomes Project 30x 0.00062; TOPMed 0.00072; ESP Exome Variant Server 0.00077.
gnomAD v4.1: 163 of 1,614,128 alleles (0.01%); highest among the groups gnomAD compares: African/African-American, 0.19%; 1 homozygote.

Submissions (3):

Blueprint Genetics
Classification: Likely benign. Last evaluated: 2024-07-25. Review status: criteria provided, single submitter. Criteria: ACMG Guidelines, 2015. Collection method: clinical testing. Allele origin: germline.

GeneDx
Classification: Uncertain significance. Last evaluated: 2021-06-28. Review status: criteria provided, single submitter. Criteria: GeneDx Variant Classification Process June 2021. Collection method: clinical testing. Allele origin: germline. Affected: yes.
Comment: In silico analysis supports that this variant does not alter splicing; Has not been previously published as pathogenic or benign to our knowledge; This variant is associated with the following publications: (PMID: 27535533)

PreventionGenetics, part of Exact Sciences
Classification: Likely benign for CLRN1-related condition. Last evaluated: 2024-04-23. Review status: no assertion criteria provided. Collection method: clinical testing. Allele origin: germline. Not counted in ClinVar's aggregate classification.
Comment: This variant is classified as likely benign based on ACMG/AMP sequence variant interpretation guidelines (Richards et al. 2015 PMID: 25741868, with internal and published modifications).

NM_174878.3(CLRN1):c.254-2119C>G

Gene: CLRN1 (clarin 1; minus strand). Cytogenetic location: 3q25.1.
Variant type: single nucleotide variant.
Coding change: c.254-2119C>G on transcript NM_174878.3 (MANE Select); 2119 bases into the intron before coding-DNA position 254, C replaced by G.
Molecular consequence: intron variant. On other transcripts: missense variant (1), 5 prime UTR variant (1).
Genome position (GRCh38, 1-based): chr3:150,943,880, G>C on the plus strand (C>G on the coding strand, the complement: CLRN1 is on the minus strand). VCF-style: chr3-150943880-G-C. GRCh37 (hg19) VCF-style: chr3-150661667-G-C.
Other names: c.365C>G, p.Pro122Arg (NM_001256819.2); c.-36C>G (NM_052995.2); c.254-2119C>G (NM_001195794.1); c.365C>G (NM_001256819.1); short protein forms P122R.
Identifiers: ClinVar variation 1215503 (VCV001215503.5), dbSNP rs200682738, ClinGen allele CA2666141.